The following is an entry in ClinVar:

ClinVar aggregate classification (germline): Uncertain significance (1 of 4 stars; one submission).

Allele frequency attached by ClinVar (database versions not stated): gnomAD exomes below 0.00001.
gnomAD v4.1: 1 of 1,614,088 alleles (0.000062%); highest among the groups gnomAD compares: South Asian, 0.0011%; no homozygotes.

Submission:

GeneDx
Classification: Uncertain significance. Last evaluated: 2020-11-19. Review status: criteria provided, single submitter. Criteria: GeneDx Variant Classification Process June 2021. Collection method: clinical testing. Allele origin: germline. Affected: yes.
Comment: Not observed in large population cohorts (Lek 2016); In silico analysis supports that this missense variant has a deleterious effect on protein structure/function; Has not been previously published as pathogenic or benign to our knowledge

NM_001042492.3(NF1):c.797T>G (p.Val266Gly)

Gene: NF1 (neurofibromin 1; plus strand). Cytogenetic location: 17q11.2.
Variant type: single nucleotide variant.
Coding change: c.797T>G on transcript NM_001042492.3 (MANE Select); coding-DNA position 797, T replaced by G.
Protein change: p.Val266Gly; replaces valine 266 with glycine.
Molecular consequence: missense variant.
Genome position (GRCh38, 1-based): chr17:31,182,574, T>G. VCF-style: chr17-31182574-T-G. GRCh37 (hg19) VCF-style: chr17-29509592-T-G.
Other names: c.797T>G, p.Val266Gly (NM_000267.4, NM_001128147.3); short protein forms V266G.
Identifiers: ClinVar variation 1217923 (VCV001217923.3), dbSNP rs2143785789, ClinGen allele CA398990888.
Genomic context (GRCh38, chr17:31,182,574, plus strand): 5'-CAGAAAAGCTATTTGACTTGGTGGATGGTTTTGCTGAAAGCACCAAACGTAAAGCAGCAG[T>G]TTGGCCACTACAAATCATTCTCCTTATCTTGTGTCCAGAAATAATCCAGGATATATCCAA-3'
Protein context (NP_001035957.1, residues 256-276): FAESTKRKAA[Val266Gly]WPLQIILLIL